The following is an entry in ClinVar:

NM_005633.4(SOS1):c.281T>C (p.Ile94Thr)

Gene: SOS1 (SOS Ras/Rac guanine nucleotide exchange factor 1; minus strand). Cytogenetic location: 2p22.1.
Variant type: single nucleotide variant.
Coding change: c.281T>C on transcript NM_005633.4 (MANE Select); coding-DNA position 281, T replaced by C.
Protein change: p.Ile94Thr; replaces isoleucine 94 with threonine.
Molecular consequence: missense variant.
Genome position (GRCh38, 1-based): chr2:39,058,737, A>G on the plus strand (T>C on the coding strand, the complement: SOS1 is on the minus strand). VCF-style: chr2-39058737-A-G. GRCh37 (hg19) VCF-style: chr2-39285878-A-G.
Other names: c.260T>C, p.Ile87Thr (NM_001382394.1); c.281T>C, p.Ile94Thr (NM_001382395.1); short protein forms I94T, I87T.
Identifiers: ClinVar variation 45355 (VCV000045355.9), dbSNP rs397517161, ClinGen allele CA136114.

ClinVar aggregate classification (germline): Uncertain significance. Review status: criteria provided, multiple submitters, no conflicts (2 of 4 stars). 4 submissions from 3 submitters: Uncertain significance (4). Last evaluated 2021-12-13.

Conditions:
Noonan syndrome 4 (NS4). Also called: SOS1-Related Noonan Syndrome; NOONAN SYNDROME WITH PIGMENTED VILLONODULAR SYNOVITIS. Identifiers: Orphanet 648, MedGen C1853120, MONDO:0012547, OMIM 610733.
Fibromatosis, gingival, 1 (GINGF1). Identifiers: Orphanet 2024, MedGen C4551558, MONDO:0007609, OMIM 135300.

Allele frequency attached by ClinVar (database versions not stated): gnomAD exomes below 0.00001 and 0.00001; gnomAD 0.00001.
gnomAD v4.1: 11 of 1,612,488 alleles (0.00068%); highest among the groups gnomAD compares: Admixed American, 0.0033%; no homozygotes.

Submissions (4):

Centre of Medical Genetics, University Hospital Muenster
Classification: Uncertain significance. Last evaluated: 2021-12-13. Review status: criteria provided, single submitter. Criteria: ACMG Guidelines, 2015. Collection method: clinical testing. Allele origin: unknown. Affected: yes. Observed: 1 variant allele, 1 heterozygote.
Comment: ACMG categories: PM1,PM2,PP3

Laboratory for Molecular Medicine, Mass General Brigham Personalized Medicine
Classification: Uncertain significance. Last evaluated: 2011-03-25. Review status: criteria provided, single submitter. Criteria: LMM Criteria. Collection method: clinical testing. Allele origin: germline. Observed: 1 variant allele.
Comment: The Ile94Thr variant has not been previously reported in the literature or been identified in our laboratory in over 1,300 individuals. This residue is not cons erved across evolutionarily distinct species and computational analyses (PolyPhe n2, SIFT, AlignGVGD, MAPP) provide inconsistent predictions regarding the impact to the normal function of the protein. It should be noted that the sensitivity and specificity of these computational programs has not been determined by our l aboratory.

Genome-Nilou Lab
Classification: Uncertain significance for Noonan syndrome 4. Review status: criteria provided, single submitter. Criteria: ACMG Guidelines, 2015. Collection method: clinical testing. Allele origin: germline.

Genome-Nilou Lab
Classification: Uncertain significance for Fibromatosis, gingival, 1. Review status: criteria provided, single submitter. Criteria: ACMG Guidelines, 2015. Collection method: clinical testing. Allele origin: germline.